The following is an entry in ClinVar:

NM_018100.4(EFHC1):c.84T>A (p.Ser28Arg)

Gene: EFHC1 (EF-hand domain containing 1; plus strand). Cytogenetic location: 6p12.2.
Variant type: single nucleotide variant.
Coding change: c.84T>A on transcript NM_018100.4 (MANE Select); coding-DNA position 84, T replaced by A.
Protein change: p.Ser28Arg; replaces serine 28 with arginine.
Molecular consequence: missense variant. On other transcripts: non-coding transcript variant (1).
Genome position (GRCh38, 1-based): chr6:52,423,966, T>A. VCF-style: chr6-52423966-T-A. GRCh37 (hg19) VCF-style: chr6-52288764-T-A.
Other names: p.S28R:AGT>AGA; c.27T>A, p.Ser9Arg (NM_001172420.2); short protein forms S28R, S9R.
Identifiers: ClinVar variation 205395 (VCV000205395.2), dbSNP rs796052415, ClinGen allele CA314426.
Genomic context (GRCh38, chr6:52,423,966, plus strand): 5'-TTGTCTAATGTTATTAATGACACATTCTTTTCTTCTTCAGAAAACAGCCTTCCACAGAAG[T>A]CAGACGCTGAGCTACAGGAACGGCTATGCAATTGTTCGACGTCCAACAGTTGGGATAGGC-3'
Protein context (NP_060570.2, residues 18-38): KDSTKTAFHR[Ser28Arg]QTLSYRNGYA

ClinVar aggregate classification (germline): Uncertain significance (1 of 4 stars; one submission).

Allele frequency attached by ClinVar (database versions not stated): gnomAD exomes below 0.00001.
gnomAD v4.1: 1 of 1,614,082 alleles (0.000062%); highest among the groups gnomAD compares: South Asian, 0.0011%; no homozygotes.

Submission:

GeneDx
Classification: Uncertain significance. Last evaluated: 2013-11-27. Review status: criteria provided, single submitter. Criteria: GeneDx Variant Classification (06012015). Collection method: clinical testing. Allele origin: germline. Affected: yes.
Comment: p.Ser28Arg (AGT>AGA): c.84 T>A in exon 2 of the EFHC1 gene (NM_018100.3). The Ser28Arg missense change in the EFHC1 gene has not been published as a mutation, nor has it been reported as a benign polymorphism to our knowledge. It was not observed in approximately 6,500 individuals of European and African American ancestry in the NHLBI Exome Sequencing Project, indicating it is not a common benign variant in these populations. This variant is a non-conservative amino acid substitution of an uncharged Serine residue with a positively charged Arginine residue at a position that is not highly conserved across species. In silico analysis is inconsistent with regard to the effect this variant may have on the protein structure/function. Therefore, based on the currently available information, it is unclear whether Ser28Arg is a disease-causing mutation or a rare benign variant. The variant is found in EPILEPSY panel(s).